The following is an entry in ClinVar:

NM_001009999.3(KDM1A):c.2249G>A (p.Arg750Gln)

Gene: KDM1A (lysine demethylase 1A; plus strand). Cytogenetic location: 1p36.12.
Variant type: single nucleotide variant.
Coding change: c.2249G>A on transcript NM_001009999.3 (MANE Select); coding-DNA position 2249, G replaced by A.
Protein change: p.Arg750Gln; replaces arginine 750 with glutamine.
Molecular consequence: missense variant.
Genome position (GRCh38, 1-based): chr1:23,081,524, G>A. VCF-style: chr1-23081524-G-A. GRCh37 (hg19) VCF-style: chr1-23408017-G-A.
Other names: c.2195G>A, p.Arg732Gln (NM_001363654.2); c.2177G>A, p.Arg726Gln (NM_015013.4); short protein forms R726Q, R732Q, R750Q.
Identifiers: ClinVar variation 1703460 (VCV001703460.5), dbSNP rs2522810367, ClinGen allele CA338971879.
Genomic context (GRCh38, chr1:23,081,524, plus strand): 5'-TAGTGGCAGGAGAAGCTGCTGGTATCATGGAAAACATAAGTGACGATGTGATTGTTGGCC[G>A]ATGCCTGGCCATTCTCAAAGGGATTTTTGGTAGCAGTGCAGTACCTCAGGTAAGTAGGTA-3'
Protein context (NP_001009999.1, residues 740-760): ENISDDVIVG[Arg750Gln]CLAILKGIFG

ClinVar aggregate classification (germline): Uncertain significance. Review status: criteria provided, multiple submitters, no conflicts (2 of 4 stars). 3 submissions from 3 submitters: Uncertain significance (3). Last evaluated 2025-03-30.

Conditions:
Inborn genetic diseases. Identifiers: MedGen C0950123, MeSH D030342.

Submissions (3):

Ambry Genetics
Classification: Uncertain significance for Inborn genetic diseases. Last evaluated: 2025-03-30. Review status: criteria provided, single submitter. Criteria: Ambry Variant Classification Scheme 2023. Collection method: clinical testing. Allele origin: germline.
Comment: The p.R750Q variant (also known as c.2249G>A), located in coding exon 19 of the KDM1A gene, results from a G to A substitution at nucleotide position 2249. The arginine at codon 750 is replaced by glutamine, an amino acid with highly similar properties. This amino acid position is conserved. In addition, this alteration is predicted to be deleterious by in silico analysis. Based on the available evidence, the clinical significance of this variant remains unclear.

GeneDx
Classification: Uncertain significance. Last evaluated: 2022-02-23. Review status: criteria provided, single submitter. Criteria: GeneDx Variant Classification Process June 2021. Collection method: clinical testing. Allele origin: germline. Affected: yes.
Comment: Not observed at significant frequency in large population cohorts (gnomAD); In silico analysis supports that this missense variant has a deleterious effect on protein structure/function; Has not been previously published as pathogenic or benign to our knowledge

Centre of Medical Genetics, University Hospital Muenster
Classification: Uncertain significance. Last evaluated: 2021-12-20. Review status: criteria provided, single submitter. Criteria: ACMG Guidelines, 2015. Collection method: clinical testing. Allele origin: unknown. Affected: yes. Observed: 1 variant allele, 1 heterozygote.
Comment: ACMG categories: PM2,PP3